The following is an entry in ClinVar:

ClinVar aggregate classification (germline): Uncertain significance (1 of 4 stars; one submission).

Conditions:
SIM1-related disorder. Also called: SIM1-related disorders; SIM1-related condition.

gnomAD v4.1: 6 of 1,614,174 alleles (0.00037%); highest among the groups gnomAD compares: Non-Finnish European, 0.00051%; no homozygotes.

Submission:

PreventionGenetics, part of Exact Sciences
Classification: Uncertain significance for SIM1-related condition. Last evaluated: 2026-04-09. Review status: criteria provided, single submitter. Criteria: ACMG Guidelines, 2015. Collection method: clinical testing. Allele origin: germline.
Comment: The SIM1 c.2010T>G variant is predicted to result in the amino acid substitution p.Ser670Arg. To our knowledge, this variant has not been reported in the literature or in a large population database (gnomAD), indicating this variant is rare. At this time, the clinical significance of this variant is uncertain due to the absence of conclusive functional and genetic evidence.

NM_005068.3(SIM1):c.2010T>G (p.Ser670Arg)

Gene: SIM1 (SIM bHLH transcription factor 1; minus strand). Cytogenetic location: 6q16.3.
Variant type: single nucleotide variant.
Coding change: c.2010T>G on transcript NM_005068.3 (MANE Select); coding-DNA position 2010, T replaced by G.
Protein change: p.Ser670Arg; replaces serine 670 with arginine.
Molecular consequence: missense variant.
Genome position (GRCh38, 1-based): chr6:100,390,652, A>C on the plus strand (T>G on the coding strand, the complement: SIM1 is on the minus strand). VCF-style: chr6-100390652-A-C. GRCh37 (hg19) VCF-style: chr6-100838528-A-C.
Other names: c.2010T>G, p.Ser670Arg (NM_001374769.1); short protein forms S670R.
Identifiers: ClinVar variation 4990213 (VCV004990213.1).